The following is an entry in ClinVar:

ClinVar aggregate classification (germline): Likely benign (1 of 4 stars; one submission).

Submission:

CeGaT Center for Human Genetics Tuebingen
Classification: Likely benign. Last evaluated: 2025-02-01. Review status: criteria provided, single submitter. Criteria: CeGaT Center For Human Genetics Tuebingen Variant Classification Criteria Version 2. Collection method: clinical testing. Allele origin: germline. Affected: yes. Observed: 2 variant alleles.
Comment: MUC21: BP4, BP7

NM_001010909.5(MUC21):c.672A>T (p.Thr224=)

Genes: MUC21 (mucin 21, cell surface associated; plus strand), LOC126859647 (CDK7 strongly-dependent group 2 enhancer GRCh37_chr6:30954612-30955811; plus strand). Cytogenetic location: 6p21.33.
Variant type: single nucleotide variant.
Coding change: c.672A>T on transcript NM_001010909.5 (MANE Select); coding-DNA position 672, A replaced by T.
Protein change: p.Thr224=; no amino-acid change (threonine 224 retained).
Molecular consequence: synonymous variant. On other transcripts: non-coding transcript variant (1).
Genome position (GRCh38, 1-based): chr6:30,986,847, A>T. VCF-style: chr6-30986847-A-T. GRCh37 (hg19) VCF-style: chr6-30954624-A-T.
Other names: c.762A>T, p.Thr254= (NM_001322370.2, NM_001322371.2).
Identifiers: ClinVar variation 2656355 (VCV002656355.24), dbSNP rs1762325765, ClinGen allele CA449782290.